The following is an entry in ClinVar:

NM_015368.4(PANX1):c.868G>A (p.Val290Met)

Gene: PANX1 (pannexin 1; plus strand). Cytogenetic location: 11q21.
Variant type: single nucleotide variant.
Coding change: c.868G>A on transcript NM_015368.4 (MANE Select); coding-DNA position 868, G replaced by A.
Protein change: p.Val290Met; replaces valine 290 with methionine.
Molecular consequence: missense variant.
Genome position (GRCh38, 1-based): chr11:94,179,924, G>A. VCF-style: chr11-94179924-G-A. GRCh37 (hg19) VCF-style: chr11-93913090-G-A.
Other names: short protein forms V290M.
Identifiers: ClinVar variation 734783 (VCV000734783.6), dbSNP rs372103195, ClinGen allele CA6234119.

ClinVar aggregate classification (germline): Likely benign. Review status: criteria provided, multiple submitters, no conflicts (2 of 4 stars). 3 submissions from 3 submitters: Likely benign (2). 1 of the submissions does not count toward it. Last evaluated 2018-02-27.

Conditions:
PANX1-related disorder. Also called: PANX1-related condition.

Allele frequency attached by ClinVar (database versions not stated): gnomAD 0.00002 and 0.00014; TOPMed 0.00004; ESP Exome Variant Server 0.00008; 1000 Genomes Project 0.00020; 1000 Genomes Project 30x 0.00031; gnomAD exomes 0.00033 and 0.00066; ExAC 0.00073.
gnomAD v4.1: 499 of 1,610,844 alleles (0.031%); highest among the groups gnomAD compares: South Asian, 0.48%; 6 homozygotes.

Submissions (3):

Labcorp Genetics (formerly Invitae), Labcorp
Classification: Likely benign. Last evaluated: 2018-02-27. Review status: criteria provided, single submitter. Criteria: Invitae Variant Classification Sherloc (09022015). Collection method: clinical testing. Allele origin: germline.

Breakthrough Genomics
Classification: Likely benign. Review status: criteria provided, single submitter. Criteria: ACMG Guidelines, 2015. Collection method: not provided. Allele origin: germline. Inheritance: Autosomal dominant inheritance. Affected: yes.

PreventionGenetics, part of Exact Sciences
Classification: Benign for PANX1-related condition. Last evaluated: 2019-12-30. Review status: no assertion criteria provided. Collection method: clinical testing. Allele origin: germline. Not counted in ClinVar's aggregate classification.
Comment: This variant is classified as benign based on ACMG/AMP sequence variant interpretation guidelines (Richards et al. 2015 PMID: 25741868, with internal and published modifications).